The following is an entry in ClinVar:

ClinVar aggregate classification (germline): Uncertain significance (1 of 4 stars; one submission).

Conditions:
Emery-Dreifuss muscular dystrophy 5, autosomal dominant (EDMD5). Also called: EMERY-DREIFUSS MUSCULAR DYSTROPHY 5. Identifiers: Orphanet 261, MedGen C2751805, MONDO:0013072, OMIM 612999.

Submission:

Labcorp Genetics (formerly Invitae), Labcorp
Classification: Uncertain significance for Emery-Dreifuss muscular dystrophy 5, autosomal dominant. Last evaluated: 2020-02-11. Review status: criteria provided, single submitter. Criteria: Invitae Variant Classification Sherloc (09022015). Collection method: clinical testing. Allele origin: germline.
Comment: Experimental studies and prediction algorithms are not available or were not evaluated, and the functional significance of this variant is currently unknown. This variant, c.11645_11647dup, results in the insertion of 1 amino acid(s) to the SYNE2 protein (p.Leu3882dup), but otherwise preserves the integrity of the reading frame. This variant is not present in population databases (ExAC no frequency). This variant has not been reported in the literature in individuals with SYNE2-related conditions. In summary, the available evidence is currently insufficient to determine the role of this variant in disease. Therefore, it has been classified as a Variant of Uncertain Significance.

NM_182914.3(SYNE2):c.11645_11647dup (p.Leu3882dup)

Gene: SYNE2 (spectrin repeat containing nuclear envelope protein 2; plus strand). Cytogenetic location: 14q23.2.
Variant type: Duplication.
Coding change: c.11645_11647dup on transcript NM_182914.3 (MANE Select); coding-DNA positions 11645 to 11647, 3 bases duplicated (TTC; older notation c.11645_11647dupTTC).
Protein change: p.Leu3882dup; duplicates leucine 3882.
Molecular consequence: inframe insertion.
Genome position (GRCh38, 1-based): chr14:64,087,831-64,087,833, TTC duplicated; duplicating any 3 consecutive bases within chr14:64,087,830-64,087,833 gives the same sequence; the c. name uses the placement nearest the transcript's 3' end. VCF-style (leftmost placement, unchanged base first): chr14-64087829-C-CCTT. GRCh37 (hg19) VCF-style: chr14-64554547-C-CCTT.
Other names: c.11645_11647dup, p.Leu3882dup (NM_015180.6).
Identifiers: ClinVar variation 1056925 (VCV001056925.9), dbSNP rs2153622305, ClinGen allele CA2499222653.
Genomic context (GRCh38, chr14:64,087,829, plus strand): 5'-CCAATCCATACAAGAGTTAAGTAATCAAGTAACAGCTTTACAACAAAAAATAATGGAAAG[C>CCTT]CTTCCACAGATTCAGCGAATGGCTGATGTAAGTTTGCACCATTCATTTAATCATTCAGGA-3'